The following is an entry in ClinVar:

NM_001302371.3(NBPF10):c.1377C>T (p.Pro459=)

Gene: NBPF10 (NBPF member 10; minus strand). Cytogenetic location: 1q21.1.
Variant type: single nucleotide variant.
Coding change: c.1377C>T on transcript NM_001302371.3 (MANE Select); coding-DNA position 1377, C replaced by T.
Protein change: p.Pro459=; no amino-acid change (proline 459 retained).
Molecular consequence: synonymous variant.
Genome position (GRCh38, 1-based): chr1:146,134,195, G>A on the plus strand (C>T on the coding strand, the complement: NBPF10 is on the minus strand). VCF-style: chr1-146134195-G-A. GRCh37 (hg19) VCF-style: chr1-145303980-C-T.
Other names: c.1377C>T, p.Pro459= (NM_001039703.6).
Identifiers: ClinVar variation 2639087 (VCV002639087.24), dbSNP rs201134964, ClinGen allele CA1051597.

ClinVar aggregate classification (germline): Likely benign (1 of 4 stars; one submission).

Allele frequency attached by ClinVar (database versions not stated): gnomAD 0.00608; ESP Exome Variant Server 0.00680; gnomAD exomes 0.00849; 1000 Genomes Project 0.00260; 1000 Genomes Project 30x 0.00328; ExAC 0.00566.
gnomAD v4.1: 11,360 of 1,376,698 alleles (0.83%); highest among the groups gnomAD compares: Non-Finnish European, 0.97%; 2,310 homozygotes.

Submission:

CeGaT Center for Human Genetics Tuebingen
Classification: Likely benign. Last evaluated: 2025-10-01. Review status: criteria provided, single submitter. Criteria: CeGaT Center For Human Genetics Tuebingen Variant Classification Criteria Version 2. Collection method: clinical testing. Allele origin: germline. Affected: yes. Observed: 3 variant alleles.
Comment: NBPF10: BP4, BP7